The following is an entry in ClinVar:

NM_001278116.2(L1CAM):c.871C>T (p.Gln291Ter)

Gene: L1CAM (L1 cell adhesion molecule; minus strand). Cytogenetic location: Xq28.
Variant type: single nucleotide variant.
Coding change: c.871C>T on transcript NM_001278116.2 (MANE Select); coding-DNA position 871, C replaced by T.
Protein change: p.Gln291Ter; replaces glutamine 291 with a stop codon.
Molecular consequence: nonsense.
Genome position (GRCh38, 1-based): chrX:153,870,176, G>A on the plus strand (C>T on the coding strand, the complement: L1CAM is on the minus strand). VCF-style: chrX-153870176-G-A. GRCh37 (hg19) VCF-style: chrX-153135631-G-A.
Other names: c.871C>T, p.Gln291Ter (NM_000425.5, NM_024003.3); c.856C>T, p.Gln286Ter (NM_001143963.2); short protein forms Q286*, Q291*.
Identifiers: ClinVar variation 5014209 (VCV005014209.1).

ClinVar aggregate classification (germline): Pathogenic (1 of 4 stars; one submission).

Conditions:
L1 syndrome. Identifiers: Orphanet 275543, MedGen C5779710, MONDO:0017140.

Submission:

Myriad Genetics, Inc.
Classification: Pathogenic for L1 syndrome. Last evaluated: 2025-03-13. Review status: criteria provided, single submitter. Criteria: Myriad Autosomal Dominant, Autosomal Recessive and X-Linked Classification Criteria (2023). Collection method: clinical testing. Allele origin: unknown.
Comment: NM_001278116.1(L1CAM):c.871C>T(Q291*) is expected to be pathogenic in the context of L1 syndrome. This variant is predicted to lead to an abnormal or absent protein product due to the creation of a premature termination codon in L1CAM, a gene where loss-of-function variants are known to be pathogenic. Please note: this variant was assessed in the context of healthy population screening.